The following is an entry in ClinVar:

NM_020638.3(FGF23):c.734G>A (p.Arg245His)

Gene: FGF23 (fibroblast growth factor 23; minus strand). Cytogenetic location: 12p13.32.
Variant type: single nucleotide variant.
Coding change: c.734G>A on transcript NM_020638.3 (MANE Select); coding-DNA position 734, G replaced by A.
Protein change: p.Arg245His; replaces arginine 245 with histidine.
Molecular consequence: missense variant.
Genome position (GRCh38, 1-based): chr12:4,370,365, C>T on the plus strand (G>A on the coding strand, the complement: FGF23 is on the minus strand). VCF-style: chr12-4370365-C-T. GRCh37 (hg19) VCF-style: chr12-4479531-C-T.
Other names: short protein forms R245H.
Identifiers: ClinVar variation 1959900 (VCV001959900.5), dbSNP rs200445443, ClinGen allele CA6395607.

ClinVar aggregate classification (germline): Uncertain significance (1 of 4 stars; one submission).

Allele frequency attached by ClinVar (database versions not stated): TOPMed below 0.00001; gnomAD 0.00001; gnomAD exomes 0.00001; ExAC 0.00002.

Submission:

Labcorp Genetics (formerly Invitae), Labcorp
Classification: Uncertain significance. Last evaluated: 2022-04-23. Review status: criteria provided, single submitter. Criteria: Invitae Variant Classification Sherloc (09022015). Collection method: clinical testing. Allele origin: germline.
Comment: In summary, the available evidence is currently insufficient to determine the role of this variant in disease. Therefore, it has been classified as a Variant of Uncertain Significance. Algorithms developed to predict the effect of missense changes on protein structure and function output the following: SIFT: "Deleterious"; PolyPhen-2: "Benign"; Align-GVGD: "Class C0". The histidine amino acid residue is found in multiple mammalian species, which suggests that this missense change does not adversely affect protein function. This variant has not been reported in the literature in individuals affected with FGF23-related conditions. This variant is present in population databases (rs200445443, gnomAD 0.008%). This sequence change replaces arginine, which is basic and polar, with histidine, which is basic and polar, at codon 245 of the FGF23 protein (p.Arg245His).